The following is an entry in ClinVar:

NM_006158.5(NEFL):c.243C>A (p.Asn81Lys)

Gene: NEFL (neurofilament light chain; minus strand). Cytogenetic location: 8p21.2.
Variant type: single nucleotide variant.
Coding change: c.243C>A on transcript NM_006158.5 (MANE Select); coding-DNA position 243, C replaced by A.
Protein change: p.Asn81Lys; replaces asparagine 81 with lysine.
Molecular consequence: missense variant.
Genome position (GRCh38, 1-based): chr8:24,956,273, G>T on the plus strand (C>A on the coding strand, the complement: NEFL is on the minus strand). VCF-style: chr8-24956273-G-T. GRCh37 (hg19) VCF-style: chr8-24813787-G-T.
Other names: short protein forms N81K.
Identifiers: ClinVar variation 464925 (VCV000464925.3), dbSNP rs761847300, ClinGen allele CA4681531.

ClinVar aggregate classification (germline): Uncertain significance (1 of 4 stars; one submission).

Conditions:
Charcot-Marie-Tooth disease type 2E (CMT2E). Also called: CHARCOT-MARIE-TOOTH NEUROPATHY, TYPE 2E; CHARCOT-MARIE-TOOTH DISEASE, AXONAL, TYPE 2E. Identifiers: Orphanet 99939, MedGen C1843225, MONDO:0011894, OMIM 607684.

Allele frequency attached by ClinVar (database versions not stated): gnomAD exomes below 0.00001; ExAC 0.00001.
gnomAD v4.1: 2 of 1,611,866 alleles (0.00012%); highest among the groups gnomAD compares: Non-Finnish European, 0.000085%; no homozygotes.

Submission:

Labcorp Genetics (formerly Invitae), Labcorp
Classification: Uncertain significance for Charcot-Marie-Tooth disease type 2E. Last evaluated: 2017-01-27. Review status: criteria provided, single submitter. Criteria: Invitae Variant Classification Sherloc (09022015). Collection method: clinical testing. Allele origin: germline.
Comment: In summary, this variant is a rare missense change with uncertain impact on protein function. There is no indication that it causes disease, but the available evidence is currently insufficient to prove that conclusively. Therefore, it has been classified as a Variant of Uncertain Significance. Algorithms developed to predict the effect of missense changes on protein structure and function (SIFT, PolyPhen-2, Align-GVGD) all suggest that this variant is likely to be disruptive, but these predictions have not been confirmed by published functional studies. This variant is present in population databases (rs761847300, ExAC 0.002%) but has not been reported in the literature in individuals with a NEFL-related disease. This sequence change replaces asparagine with lysine at codon 81 of the NEFL protein (p.Asn81Lys). The asparagine residue is highly conserved and there is a moderate physicochemical difference between asparagine and lysine.